The following is an entry in ClinVar:

ClinVar aggregate classification (germline): Likely benign (0 of 4 stars; one submission).

Conditions:
TMEM132E-related disorder. Also called: TMEM132E-related condition.

Allele frequency attached by ClinVar (database versions not stated): ESP Exome Variant Server 0.00008.
gnomAD v4.1: 19 of 1,604,494 alleles (0.0012%); highest among the groups gnomAD compares: Non-Finnish European, 0.0015%; no homozygotes.

Submission:

PreventionGenetics, part of Exact Sciences
Classification: Likely benign for TMEM132E-related condition. Last evaluated: 2019-12-17. Review status: no assertion criteria provided. Collection method: clinical testing. Allele origin: germline.
Comment: This variant is classified as likely benign based on ACMG/AMP sequence variant interpretation guidelines (Richards et al. 2015 PMID: 25741868, with internal and published modifications).

NM_001304438.2(TMEM132E):c.204C>A (p.Val68=)

Gene: TMEM132E (transmembrane protein 132E; plus strand). Cytogenetic location: 17q12.
Variant type: single nucleotide variant.
Coding change: c.204C>A on transcript NM_001304438.2 (MANE Select); coding-DNA position 204, C replaced by A.
Protein change: p.Val68=; no amino-acid change (valine 68 retained).
Molecular consequence: synonymous variant.
Genome position (GRCh38, 1-based): chr17:34,626,263, C>A. VCF-style: chr17-34626263-C-A. GRCh37 (hg19) VCF-style: chr17-32953282-C-A.
Identifiers: ClinVar variation 3048060 (VCV003048060.2), dbSNP rs150026307, ClinGen allele CA289962818.